The following is an entry in ClinVar:

NM_001367561.1(DOCK7):c.184G>A (p.Asp62Asn)

Gene: DOCK7 (dedicator of cytokinesis 7; minus strand). Cytogenetic location: 1p31.3.
Variant type: single nucleotide variant.
Coding change: c.184G>A on transcript NM_001367561.1 (MANE Select); coding-DNA position 184, G replaced by A.
Protein change: p.Asp62Asn; replaces aspartic acid 62 with asparagine.
Molecular consequence: missense variant.
Genome position (GRCh38, 1-based): chr1:62,654,120, C>T on the plus strand (G>A on the coding strand, the complement: DOCK7 is on the minus strand). VCF-style: chr1-62654120-C-T. GRCh37 (hg19) VCF-style: chr1-63119791-C-T.
Other names: c.184G>A, p.Asp62Asn (NM_001271999.2, NM_001272000.2, NM_001272001.2 and 3 more transcripts); short protein forms D62N.
Identifiers: ClinVar variation 1003472 (VCV001003472.6), dbSNP rs199568861, ClinGen allele CA887247.

ClinVar aggregate classification (germline): Uncertain significance (1 of 4 stars; one submission).

Conditions:
Developmental and epileptic encephalopathy, 23 (DEE23). Also called: Epileptic encephalopathy, early infantile, 23. Identifiers: Orphanet 411986, MedGen C4014492, MONDO:0014371, OMIM 615859.

Allele frequency attached by ClinVar (database versions not stated): gnomAD 0.00001 and 0.00003; gnomAD exomes 0.00001 and 0.00004; TOPMed 0.00001; ExAC 0.00005; 1000 Genomes Project 30x 0.00031; 1000 Genomes Project 0.00040.
gnomAD v4.1: 27 of 1,613,848 alleles (0.0017%); highest among the groups gnomAD compares: East Asian, 0.056%; no homozygotes.

Submission:

Labcorp Genetics (formerly Invitae), Labcorp
Classification: Uncertain significance for Developmental and epileptic encephalopathy, 23. Last evaluated: 2022-08-15. Review status: criteria provided, single submitter. Criteria: Invitae Variant Classification Sherloc (09022015). Collection method: clinical testing. Allele origin: germline.
Comment: This sequence change replaces aspartic acid, which is acidic and polar, with asparagine, which is neutral and polar, at codon 62 of the DOCK7 protein (p.Asp62Asn). This variant is present in population databases (rs199568861, gnomAD 0.07%). This variant has not been reported in the literature in individuals affected with DOCK7-related conditions. ClinVar contains an entry for this variant (Variation ID: 1003472). Algorithms developed to predict the effect of missense changes on protein structure and function (SIFT, PolyPhen-2, Align-GVGD) all suggest that this variant is likely to be tolerated. In summary, the available evidence is currently insufficient to determine the role of this variant in disease. Therefore, it has been classified as a Variant of Uncertain Significance.